The following is an entry in ClinVar:

ClinVar aggregate classification (germline): Uncertain significance. Review status: criteria provided, single submitter (1 of 4 stars). 2 submissions from 2 submitters: Uncertain significance (1). 1 of the submissions does not count toward it. Last evaluated 2024-07-02.

Conditions:
NRP1-related disorder. Also called: NRP1-related condition.

gnomAD v4.1: 6 of 1,613,852 alleles (0.00037%); highest among the groups gnomAD compares: African/African-American, 0.008%; no homozygotes.

Submissions (2):

Ambry Genetics
Classification: Uncertain significance. Last evaluated: 2024-07-02. Review status: criteria provided, single submitter. Criteria: Ambry Variant Classification Scheme 2023. Collection method: clinical testing. Allele origin: germline.

PreventionGenetics, part of Exact Sciences
Classification: Uncertain significance for NRP1-related condition. Last evaluated: 2024-06-28. Review status: no assertion criteria provided. Collection method: clinical testing. Allele origin: germline. Not counted in ClinVar's aggregate classification.
Comment: The NRP1 c.664C>A variant is predicted to result in the amino acid substitution p.Pro222Thr. To our knowledge, this variant has not been reported in the literature. This variant is reported in 0.0080% of alleles in individuals of African descent in gnomAD. At this time, the clinical significance of this variant is uncertain due to the absence of conclusive functional and genetic evidence.

NM_003873.7(NRP1):c.664C>A (p.Pro222Thr)

Gene: NRP1 (neuropilin 1; minus strand). Cytogenetic location: 10p11.22.
Variant type: single nucleotide variant.
Coding change: c.664C>A on transcript NM_003873.7 (MANE Select); coding-DNA position 664, C replaced by A.
Protein change: p.Pro222Thr; replaces proline 222 with threonine.
Molecular consequence: missense variant. On other transcripts: non-coding transcript variant (1).
Genome position (GRCh38, 1-based): chr10:33,256,466, G>T on the plus strand (C>A on the coding strand, the complement: NRP1 is on the minus strand). VCF-style: chr10-33256466-G-T. GRCh37 (hg19) VCF-style: chr10-33545394-G-T.
Other names: c.664C>A, p.Pro222Thr (NM_001024628.3, NM_001024629.3, NM_001244972.2 and 2 more transcripts); short protein forms P222T.
Identifiers: ClinVar variation 3357009 (VCV003357009.2).